The following is an entry in ClinVar:

NM_004606.5(TAF1):c.4683C>T (p.His1561=)

Gene: TAF1 (TATA-box binding protein associated factor 1; plus strand). Cytogenetic location: Xq13.1.
Variant type: single nucleotide variant.
Coding change: c.4683C>T on transcript NM_004606.5 (MANE Select); coding-DNA position 4683, C replaced by T.
Protein change: p.His1561=; no amino-acid change (histidine 1561 retained).
Molecular consequence: synonymous variant. On other transcripts: non-coding transcript variant (9).
Genome position (GRCh38, 1-based): chrX:71,424,168, C>T. VCF-style: chrX-71424168-C-T. GRCh37 (hg19) VCF-style: chrX-70644018-C-T.
Other names: c.4683C>T, p.His1561= (NM_001286074.2); c.4620C>T, p.His1540= (NM_138923.4).
Identifiers: ClinVar variation 1334669 (VCV001334669.5), dbSNP rs2148611936, ClinGen allele CA516744503.

ClinVar aggregate classification (germline): Conflicting classifications of pathogenicity. Review status: criteria provided, conflicting classifications (1 of 4 stars). 2 submissions from 2 submitters: Uncertain significance (1); Likely benign (1). Last evaluated 2025-11-26.

Submissions (2):

Women's Health and Genetics/Laboratory Corporation of America, LabCorp
Classification: Likely benign. Last evaluated: 2025-11-26. Review status: criteria provided, single submitter. Criteria: LabCorp Variant Classification Summary - May 2015. Collection method: clinical testing. Allele origin: germline.

Greenwood Genetic Center Diagnostic Laboratories, Greenwood Genetic Center
Classification: Uncertain significance. Last evaluated: 2021-11-17. Review status: criteria provided, single submitter. Criteria: ACMG Guidelines, 2015. Collection method: clinical testing. Allele origin: germline. Affected: yes.
Comment: BP4, PM1, PM2